The following is an entry in ClinVar:

ClinVar aggregate classification (germline): Uncertain significance (1 of 4 stars; one submission).

Conditions:
Inborn genetic diseases. Identifiers: MedGen C0950123, MeSH D030342.

Allele frequency attached by ClinVar (database versions not stated): TOPMed below 0.00001; gnomAD exomes 0.00001.
gnomAD v4.1: 3 of 1,614,030 alleles (0.00019%); highest among the groups gnomAD compares: Non-Finnish European, 0.00025%; no homozygotes.

Submission:

Ambry Genetics
Classification: Uncertain significance for Inborn genetic diseases. Last evaluated: 2022-09-09. Review status: criteria provided, single submitter. Criteria: Ambry Variant Classification Scheme 2023. Collection method: clinical testing. Allele origin: germline.
Comment: The c.1259C>G (p.P420R) alteration is located in exon 12 (coding exon 11) of the PPOX gene. This alteration results from a C to G substitution at nucleotide position 1259, causing the proline (P) at amino acid position 420 to be replaced by an arginine (R). This variant was not reported in population-based cohorts in the Genome Aggregation Database (gnomAD). This variant has been reported in trans with a second variant in PPOX in an individual diagnosed with variegate porphyria (Pinder, 2013). This amino acid position is highly conserved in available vertebrate species. This alteration is predicted to be deleterious by in silico analysis. Based on insufficient or conflicting evidence, the clinical significance of this alteration remains unclear.

Literature cited by the submitters: PubMed 24073655.

NM_001122764.3(PPOX):c.1259C>G (p.Pro420Arg)

Gene: PPOX (protoporphyrinogen oxidase; plus strand). Cytogenetic location: 1q23.3.
Variant type: single nucleotide variant.
Coding change: c.1259C>G on transcript NM_001122764.3 (MANE Select); coding-DNA position 1259, C replaced by G.
Protein change: p.Pro420Arg; replaces proline 420 with arginine.
Molecular consequence: missense variant.
Genome position (GRCh38, 1-based): chr1:161,170,917, C>G. VCF-style: chr1-161170917-C-G. GRCh37 (hg19) VCF-style: chr1-161140707-C-G.
Other names: c.1259C>G, p.Pro420Arg (NM_000309.5, NM_001365398.1); c.1160C>G, p.Pro387Arg (NM_001350128.2); c.851C>G, p.Pro284Arg (NM_001350129.2, NM_001365400.1); c.773C>G, p.Pro258Arg (NM_001350130.2, NM_001350131.2, NM_001365401.1); c.1148C>G, p.Pro383Arg (NM_001365399.1); short protein forms P383R, P387R, P420R, P258R, P284R.
Identifiers: ClinVar variation 2304447 (VCV002304447.2), dbSNP rs1661130879, ClinGen allele CA343358691.